The following is an entry in ClinVar:

ClinVar aggregate classification (germline): Benign (1 of 4 stars; one submission).

Conditions:
Retinitis pigmentosa (RP). Identifiers: Orphanet 791, MedGen C0035334, MeSH D012174, MONDO:0019200, OMIM 268000. Inheritance: Autosomal dominant, autosomal recessive and X linked inheritance.

Allele frequency attached by ClinVar (database versions not stated): gnomAD 0.01451 and 0.01569; TOPMed 0.01639; 1000 Genomes Project 0.01737; 1000 Genomes Project 30x 0.01889.
gnomAD v4.1: 2,185 of 152,262 alleles (1.4%); highest among the groups gnomAD compares: African/African-American, 5%; 53 homozygotes.

Submission:

Illumina Laboratory Services, Illumina
Classification: Benign for Retinitis pigmentosa. Last evaluated: 2018-01-12. Review status: criteria provided, single submitter. Criteria: ICSL Variant Classification Criteria 13 December 2019. Collection method: clinical testing. Allele origin: germline.
Comment: This variant was observed in the ICSL laboratory as part of a predisposition screen in an ostensibly healthy population. It had not been previously curated by ICSL or reported in the Human Gene Mutation Database (HGMD: prior to June 1st, 2018), and was therefore a candidate for classification through an automated scoring system. Utilizing variant allele frequency, disease prevalence and penetrance estimates, and inheritance mode, an automated score was calculated to assess if this variant is too frequent to cause the disease. Based on the score and internal cut-off values, a variant classified as benign is not then subjected to further curation. The score for this variant resulted in a classification of benign for this disease.

NM_002098.6(GUCA1B):c.*1126A>G

Gene: GUCA1B (guanylate cyclase activator 1B; minus strand). Cytogenetic location: 6p21.1.
Variant type: single nucleotide variant.
Coding change: c.*1126A>G on transcript NM_002098.6 (MANE Select); 1126 bases downstream of the stop codon, A replaced by G.
Molecular consequence: 3 prime UTR variant.
Genome position (GRCh38, 1-based): chr6:42,183,689, T>C on the plus strand (A>G on the coding strand, the complement: GUCA1B is on the minus strand). VCF-style: chr6-42183689-T-C. GRCh37 (hg19) VCF-style: chr6-42151427-T-C.
Identifiers: ClinVar variation 356703 (VCV000356703.6), dbSNP rs115180990, ClinGen allele CA10623882.